The following is an entry in ClinVar:

NM_002470.4(MYH3):c.1519A>G (p.Ile507Val)

Gene: MYH3 (myosin heavy chain 3; minus strand). Cytogenetic location: 17p13.1.
Variant type: single nucleotide variant.
Coding change: c.1519A>G on transcript NM_002470.4 (MANE Select); coding-DNA position 1519, A replaced by G.
Protein change: p.Ile507Val; replaces isoleucine 507 with valine.
Molecular consequence: missense variant.
Genome position (GRCh38, 1-based): chr17:10,642,888, T>C on the plus strand (A>G on the coding strand, the complement: MYH3 is on the minus strand). VCF-style: chr17-10642888-T-C. GRCh37 (hg19) VCF-style: chr17-10546205-T-C.
Other names: short protein forms I507V.
Identifiers: ClinVar variation 4800679 (VCV004800679.1).

ClinVar aggregate classification (germline): Uncertain significance (1 of 4 stars; one submission).

gnomAD v4.1: 5 of 1,614,212 alleles (0.00031%); highest among the groups gnomAD compares: Non-Finnish European, 0.00042%; no homozygotes.

Submission:

Labcorp Genetics (formerly Invitae), Labcorp
Classification: Uncertain significance. Last evaluated: 2026-01-14. Review status: criteria provided, single submitter. Criteria: Invitae Variant Classification Sherloc (09022015). Collection method: clinical testing. Allele origin: germline.
Comment: This sequence change replaces isoleucine, which is neutral and non-polar, with valine, which is neutral and non-polar, at codon 507 of the MYH3 protein (p.Ile507Val). This variant is present in population databases (rs751522595, gnomAD 0.0009%). This variant has not been reported in the literature in individuals affected with MYH3-related conditions. Invitae Evidence Modeling of protein sequence and biophysical properties (such as structural, functional, and spatial information, amino acid conservation, physicochemical variation, residue mobility, and thermodynamic stability) has been performed for this missense variant. However, the output from this modeling did not meet the statistical confidence thresholds required to predict the impact of this variant on MYH3 protein function. In summary, the available evidence is currently insufficient to determine the role of this variant in disease. Therefore, it has been classified as a Variant of Uncertain Significance.